The following is an entry in ClinVar:

ClinVar aggregate classification (germline): Likely pathogenic (1 of 4 stars; one submission).

Allele frequency attached by ClinVar (database versions not stated): gnomAD exomes below 0.00001; gnomAD 0.00001; TOPMed 0.00002.

Submission:

Labcorp Genetics (formerly Invitae), Labcorp
Classification: Likely pathogenic. Last evaluated: 2023-08-16. Review status: criteria provided, single submitter. Criteria: Invitae Variant Classification Sherloc (09022015). Collection method: clinical testing. Allele origin: germline.
Comment: In summary, the currently available evidence indicates that the variant is pathogenic, but additional data are needed to prove that conclusively. Therefore, this variant has been classified as Likely Pathogenic. Algorithms developed to predict the effect of sequence changes on RNA splicing suggest that this variant may disrupt the consensus splice site. This variant has not been reported in the literature in individuals affected with COL13A1-related conditions. This variant is present in population databases (no rsID available, gnomAD 0.007%). This sequence change affects a donor splice site in intron 11 of the COL13A1 gene. It is expected to disrupt RNA splicing. Variants that disrupt the donor or acceptor splice site typically lead to a loss of protein function (PMID: 16199547), and loss-of-function variants in COL13A1 are known to be pathogenic (PMID: 26626625).

Literature cited by the submitters: PubMed 16199547; PubMed 26626625.

NM_001368882.1(COL13A1):c.657+1G>A

Gene: COL13A1 (collagen type XIII alpha 1 chain; plus strand). Cytogenetic location: 10q22.1.
Variant type: single nucleotide variant.
Coding change: c.657+1G>A on transcript NM_001368882.1 (MANE Select); the canonical splice donor site of the intron after coding-DNA position 657, G replaced by A.
Molecular consequence: splice donor variant.
Genome position (GRCh38, 1-based): chr10:69,894,702, G>A. VCF-style: chr10-69894702-G-A. GRCh37 (hg19) VCF-style: chr10-71654458-G-A.
Other names: c.657+1G>A (NM_001320951.2, NM_001368884.1); c.630+1G>A (NM_001130103.2, NM_080801.4, NM_080802.4 and 1 more transcripts); c.57+1G>A (NM_001368886.1); c.621+1G>A (NM_001368883.1, NM_001368885.1); c.543+1G>A (NM_080805.4, NM_001368897.1); c.567+1G>A (NM_001368895.1); c.516+1G>A (NM_001368898.1, NM_080798.4, NM_001368896.1).
Identifiers: ClinVar variation 2780891 (VCV002780891.3), dbSNP rs1037783253, ClinGen allele CA209297378.